The following is an entry in ClinVar:

ClinVar aggregate classification (germline): Uncertain significance (1 of 4 stars; one submission).

Conditions:
Hereditary cancer-predisposing syndrome. Also called: Neoplastic Syndromes, Hereditary; Tumor predisposition; Hereditary neoplastic syndrome; Hereditary Cancer Syndrome. Identifiers: Orphanet 140162, MedGen C0027672, MeSH D009386, MONDO:0015356.

Submission:

Ambry Genetics
Classification: Uncertain significance for Hereditary cancer-predisposing syndrome. Last evaluated: 2023-02-15. Review status: criteria provided, single submitter. Criteria: Ambry Variant Classification Scheme 2023. Collection method: clinical testing. Allele origin: germline.
Comment: The c.2406G>A variant (also known as p.Q802Q), located in coding exon 10 of the BLM gene, results from a G to A substitution at nucleotide position 2406. This nucleotide substitution does not change the at codon 802. However, this change occurs in the last base pair of coding exon 10, which makes it likely to have some effect on normal mRNA splicing. This nucleotide position is highly conserved in available vertebrate species. In silico splice site analysis predicts that this alteration will weaken the native splice donor site; however, direct evidence is insufficient at this time (Ambry internal data). Since supporting evidence is limited at this time, the clinical significance of this alteration remains unclear.

NM_000057.4(BLM):c.2406G>A (p.Gln802=)

Gene: BLM (BLM RecQ like helicase; plus strand). Cytogenetic location: 15q26.1.
Variant type: single nucleotide variant.
Coding change: c.2406G>A on transcript NM_000057.4 (MANE Select); coding-DNA position 2406, G replaced by A.
Protein change: p.Gln802=; no amino-acid change (glutamine 802 retained).
Molecular consequence: synonymous variant.
Genome position (GRCh38, 1-based): chr15:90,769,231, G>A. VCF-style: chr15-90769231-G-A. GRCh37 (hg19) VCF-style: chr15-91312461-G-A.
Other names: c.2406G>A, p.Gln802= (NM_001287246.2, NM_001287247.2); c.1281G>A, p.Gln427= (NM_001287248.2).
Identifiers: ClinVar variation 2452557 (VCV002452557.2), dbSNP rs2505455105, ClinGen allele CA492301755.
Genomic context (GRCh38, chr15:90,769,231, plus strand): 5'-TCTCTATGAGAGGAAGCTCTTGGCACGTTTTGTTATTGATGAAGCACATTGTGTCAGTCA[G>A]GTAAATACTGTTTTTTATATCCGGAAATACCGATAAATACATACTACCAACAATATATGT-3'
Protein context (NP_000048.1, residues 792-812): FVIDEAHCVS[Gln802=]WGHDFRQDYK